The following is an entry in ClinVar:

NM_004991.4(MECOM):c.2621A>G (p.Asn874Ser)

Gene: MECOM (MDS1 and EVI1 complex locus; minus strand). Cytogenetic location: 3q26.2.
Variant type: single nucleotide variant.
Coding change: c.2621A>G on transcript NM_004991.4 (MANE Select); coding-DNA position 2621, A replaced by G.
Protein change: p.Asn874Ser; replaces asparagine 874 with serine.
Molecular consequence: missense variant.
Genome position (GRCh38, 1-based): chr3:169,102,210, T>C on the plus strand (A>G on the coding strand, the complement: MECOM is on the minus strand). VCF-style: chr3-169102210-T-C. GRCh37 (hg19) VCF-style: chr3-168819998-T-C.
Other names: c.2060A>G, p.Asn687Ser (NM_001366468.2, NM_001366467.2); c.2057A>G, p.Asn686Ser (NM_001366469.2, NM_005241.4, NM_001105078.4 and 1 more transcripts); c.2033A>G, p.Asn678Ser (NM_001366470.2, NM_001163999.2); c.2030A>G, p.Asn677Ser (NM_001366471.2, NM_001366472.2, NM_001164000.2); c.1622A>G, p.Asn541Ser (NM_001366473.2); c.1058A>G, p.Asn353Ser (NM_001366474.2); c.2252A>G, p.Asn751Ser (NM_001105077.4); c.2594A>G, p.Asn865Ser (NM_001366466.2); short protein forms N353S, N678S, N686S, N677S, N687S, N751S, N865S, N874S.
Identifiers: ClinVar variation 4624684 (VCV004624684.1).
Genomic context (GRCh38, chr3:169,102,210, plus strand): 5'-TGTAAGAGCTCACTGGCCTCAGGTTTCAGGGCACTGAAGCTCTCTAGCTTTTCTGCCATG[T>C]TTTCAATAGCTGACATCTGAAAGGTAAAAGCACAAGACCATGAAGCGTTTGGCATCTTGT-3'
Protein context (NP_004982.2, residues 864-884): DQRTWMSAIE[Asn874Ser]MAEKLESFSA

ClinVar aggregate classification (germline): Uncertain significance (1 of 4 stars; one submission).

Conditions:
Inborn genetic diseases. Identifiers: MedGen C0950123, MeSH D030342.

Submission:

Ambry Genetics
Classification: Uncertain significance for Inborn genetic diseases. Last evaluated: 2025-11-04. Review status: criteria provided, single submitter. Criteria: Ambry Variant Classification Scheme 2023. Collection method: clinical testing. Allele origin: germline.
Comment: The p.N874S variant (also known as c.2621A>G), located in coding exon 11 of the MECOM gene, results from an A to G substitution at nucleotide position 2621. The asparagine at codon 874 is replaced by serine, an amino acid with highly similar properties. This amino acid position is conserved. In addition, this alteration is predicted to be tolerated by in silico analysis. Based on the available evidence, the clinical significance of this variant remains unclear.